The following is an entry in ClinVar:

NM_001365999.1(SZT2):c.6758A>C (p.Lys2253Thr)

Gene: SZT2 (SZT2 subunit of KICSTOR complex; plus strand). Cytogenetic location: 1p34.2.
Variant type: single nucleotide variant.
Coding change: c.6758A>C on transcript NM_001365999.1 (MANE Select); coding-DNA position 6758, A replaced by C.
Protein change: p.Lys2253Thr; replaces lysine 2253 with threonine.
Molecular consequence: missense variant.
Genome position (GRCh38, 1-based): chr1:43,439,059, A>C. VCF-style: chr1-43439059-A-C. GRCh37 (hg19) VCF-style: chr1-43904730-A-C.
Other names: c.6587A>C, p.Lys2196Thr (NM_015284.4); short protein forms K2196T, K2253T.
Identifiers: ClinVar variation 1713539 (VCV001713539.5), dbSNP rs911845661, ClinGen allele CA340032059.

ClinVar aggregate classification (germline): Uncertain significance (1 of 4 stars; one submission).

Submission:

Labcorp Genetics (formerly Invitae), Labcorp
Classification: Uncertain significance. Last evaluated: 2024-09-16. Review status: criteria provided, single submitter. Criteria: Invitae Variant Classification Sherloc (09022015). Collection method: clinical testing. Allele origin: germline.
Comment: This sequence change replaces lysine, which is basic and polar, with threonine, which is neutral and polar, at codon 2196 of the SZT2 protein (p.Lys2196Thr). This variant is not present in population databases (gnomAD no frequency). This variant has not been reported in the literature in individuals affected with SZT2-related conditions. ClinVar contains an entry for this variant (Variation ID: 1713539). Invitae Evidence Modeling of protein sequence and biophysical properties (such as structural, functional, and spatial information, amino acid conservation, physicochemical variation, residue mobility, and thermodynamic stability) indicates that this missense variant is expected to disrupt SZT2 protein function with a positive predictive value of 80%. In summary, the available evidence is currently insufficient to determine the role of this variant in disease. Therefore, it has been classified as a Variant of Uncertain Significance.